The following is an entry in ClinVar:

ClinVar aggregate classification (germline): Uncertain significance (1 of 4 stars; one submission).

Conditions:
Hereditary cancer-predisposing syndrome. Also called: Neoplastic Syndromes, Hereditary; Tumor predisposition; Hereditary Cancer Syndrome; Hereditary neoplastic syndrome. Identifiers: Orphanet 140162, MedGen C0027672, MeSH D009386, MONDO:0015356.

gnomAD v4.1: 2 of 1,613,988 alleles (0.00012%); highest among the groups gnomAD compares: Non-Finnish European, 0.00017%; no homozygotes.

Submission:

Ambry Genetics
Classification: Uncertain significance for Hereditary cancer-predisposing syndrome. Last evaluated: 2026-03-02. Review status: criteria provided, single submitter. Criteria: Ambry Variant Classification Scheme 2023. Collection method: clinical testing. Allele origin: germline.
Comment: The p.S451L variant (also known as c.1352C>T), located in coding exon 9 of the BRCA1 gene, results from a C to T substitution at nucleotide position 1352. The serine at codon 451 is replaced by leucine, an amino acid with dissimilar properties. This amino acid position is poorly conserved in available vertebrate species. In addition, the in silico prediction for this alteration is inconclusive. Based on the available evidence, the clinical significance of this variant remains unclear.

NM_007294.4(BRCA1):c.1352C>T (p.Ser451Leu)

Gene: BRCA1 (BRCA1 DNA repair associated; minus strand). Cytogenetic location: 17q21.31.
Variant type: single nucleotide variant.
Coding change: c.1352C>T on transcript NM_007294.4 (MANE Select); coding-DNA position 1352, C replaced by T.
Protein change: p.Ser451Leu; replaces serine 451 with leucine.
Molecular consequence: missense variant. On other transcripts: intron variant (137).
Genome position (GRCh38, 1-based): chr17:43,094,179, G>A on the plus strand (C>T on the coding strand, the complement: BRCA1 is on the minus strand). VCF-style: chr17-43094179-G-A. GRCh37 (hg19) VCF-style: chr17-41246196-G-A.
Other names: c.1088C>T, p.Ser363Leu (NM_001407929.1, NM_001407933.1, NM_001407935.1 and 9 more transcripts); c.1085C>T, p.Ser362Leu (NM_001407930.1, NM_001407931.1, NM_001407932.1 and 2 more transcripts); c.1229C>T, p.Ser410Leu (NM_001407937.1, NM_001407664.1, NM_001407675.1 and 19 more transcripts); c.1211C>T, p.Ser404Leu (NM_001407692.1, NM_001407694.1, NM_001407695.1 and 29 more transcripts); c.1208C>T, p.Ser403Leu (NM_001407740.1, NM_001407741.1, NM_001407742.1 and 20 more transcripts); c.1148C>T, p.Ser383Leu (NM_001407874.1, NM_001407875.1); c.1142C>T, p.Ser381Leu (NM_001407879.1, NM_001407881.1, NM_001407882.1 and 13 more transcripts); c.1139C>T, p.Ser380Leu (NM_001407915.1, NM_001407916.1, NM_001407917.1 and 9 more transcripts); and 40 more; short protein forms S324L, S339L, S403L, S409L, S425L, S450L, S155L, S323L.
Identifiers: ClinVar variation 4826628 (VCV004826628.1).